The following is an entry in ClinVar:

ClinVar aggregate classification (germline): Uncertain significance (1 of 4 stars; one submission).

Conditions:
Neurodevelopmental disorder with midbrain and hindbrain malformations (NEDMHM). Identifiers: MedGen C4479613, MONDO:0056797, OMIM 617523.

Allele frequency attached by ClinVar (database versions not stated): TOPMed below 0.00001.

Submission:

Baylor Genetics
Classification: Uncertain significance for Neurodevelopmental disorder with midbrain and hindbrain malformations. Last evaluated: 2020-02-14. Review status: criteria provided, single submitter. Criteria: ACMG Guidelines, 2015. Collection method: clinical testing. Allele origin: unknown. Affected: yes.
Comment: This variant was determined to be of uncertain significance according to ACMG Guidelines, 2015 [PMID:25741868].

NM_001162383.2(ARHGEF2):c.917G>T (p.Cys306Phe)

Gene: ARHGEF2 (Rho/Rac guanine nucleotide exchange factor 2; minus strand). Cytogenetic location: 1q22.
Variant type: single nucleotide variant.
Coding change: c.917G>T on transcript NM_001162383.2 (MANE Select); coding-DNA position 917, G replaced by T.
Protein change: p.Cys306Phe; replaces cysteine 306 with phenylalanine.
Molecular consequence: missense variant.
Genome position (GRCh38, 1-based): chr1:155,962,991, C>A on the plus strand (G>T on the coding strand, the complement: ARHGEF2 is on the minus strand). VCF-style: chr1-155962991-C-A. GRCh37 (hg19) VCF-style: chr1-155932782-C-A.
Other names: c.914G>T, p.Cys305Phe (NM_001162384.2); c.836G>T, p.Cys279Phe (NM_001350110.2, NM_001350111.2); c.863G>T, p.Cys288Phe (NM_001350112.2); c.833G>T, p.Cys278Phe (NM_004723.4); short protein forms C278F, C305F, C279F, C288F, C306F.
Identifiers: ClinVar variation 1029170 (VCV001029170.1), dbSNP rs1678274044, ClinGen allele CA342803852.